The following is an entry in ClinVar:

ClinVar aggregate classification (germline): Uncertain significance (1 of 4 stars; one submission).

gnomAD v4.1: 2 of 1,609,746 alleles (0.00012%); highest among the groups gnomAD compares: Admixed American, 0.0017%; no homozygotes.

Submission:

Labcorp Genetics (formerly Invitae), Labcorp
Classification: Uncertain significance. Last evaluated: 2025-07-08. Review status: criteria provided, single submitter. Criteria: Invitae Variant Classification Sherloc (09022015). Collection method: clinical testing. Allele origin: germline.
Comment: This sequence change replaces leucine, which is neutral and non-polar, with phenylalanine, which is neutral and non-polar, at codon 862 of the MCM4 protein (p.Leu862Phe). This variant is not present in population databases (gnomAD no frequency). This variant has not been reported in the literature in individuals affected with MCM4-related conditions. An algorithm developed to predict the effect of missense changes on protein structure and function (PolyPhen-2) suggests that this variant is likely to be tolerated. In summary, the available evidence is currently insufficient to determine the role of this variant in disease. Therefore, it has been classified as a Variant of Uncertain Significance.

NM_182746.3(MCM4):c.2586G>C (p.Leu862Phe)

Gene: MCM4 (minichromosome maintenance complex component 4; plus strand). Cytogenetic location: 8q11.21.
Variant type: single nucleotide variant.
Coding change: c.2586G>C on transcript NM_182746.3 (MANE Select); coding-DNA position 2586, G replaced by C.
Protein change: p.Leu862Phe; replaces leucine 862 with phenylalanine.
Molecular consequence: missense variant.
Genome position (GRCh38, 1-based): chr8:47,976,772, G>C. VCF-style: chr8-47976772-G-C. GRCh37 (hg19) VCF-style: chr8-48889332-G-C.
Other names: c.2586G>C, p.Leu862Phe (NM_005914.4); short protein forms L862F.
Identifiers: ClinVar variation 4767258 (VCV004767258.1).